The following is an entry in ClinVar:

NM_001211.6(BUB1B):c.1376C>T (p.Thr459Ile)

Gene: BUB1B (BUB1 mitotic checkpoint serine/threonine kinase B; plus strand). Cytogenetic location: 15q15.1.
Variant type: single nucleotide variant.
Coding change: c.1376C>T on transcript NM_001211.6 (MANE Select); coding-DNA position 1376, C replaced by T.
Protein change: p.Thr459Ile; replaces threonine 459 with isoleucine.
Molecular consequence: missense variant.
Genome position (GRCh38, 1-based): chr15:40,199,702, C>T. VCF-style: chr15-40199702-C-T. GRCh37 (hg19) VCF-style: chr15-40491903-C-T.
Other names: short protein forms T459I.
Identifiers: ClinVar variation 1771169 (VCV001771169.2), dbSNP rs1167349649, ClinGen allele CA391689127.

ClinVar aggregate classification (germline): Uncertain significance (1 of 4 stars; one submission).

Conditions:
Inborn genetic diseases. Identifiers: MedGen C0950123, MeSH D030342.

Allele frequency attached by ClinVar (database versions not stated): gnomAD exomes below 0.00001; gnomAD 0.00001.
gnomAD v4.1: 5 of 1,613,586 alleles (0.00031%); highest among the groups gnomAD compares: South Asian, 0.0022%; no homozygotes.

Submission:

Ambry Genetics
Classification: Uncertain significance for Inborn genetic diseases. Last evaluated: 2022-10-02. Review status: criteria provided, single submitter. Criteria: Ambry Variant Classification Scheme 2023. Collection method: clinical testing. Allele origin: germline.
Comment: The p.T459I variant (also known as c.1376C>T), located in coding exon 10 of the BUB1B gene, results from a C to T substitution at nucleotide position 1376. The threonine at codon 459 is replaced by isoleucine, an amino acid with similar properties. This amino acid position is conserved. In addition, this alteration is predicted to be tolerated by in silico analysis. Since supporting evidence is limited at this time, the clinical significance of this alteration remains unclear.